The following is an entry in ClinVar:

NM_207361.6(FREM2):c.8218C>T (p.Arg2740Cys)

Gene: FREM2 (FRAS1 related extracellular matrix 2; plus strand). Cytogenetic location: 13q13.3.
Variant type: single nucleotide variant.
Coding change: c.8218C>T on transcript NM_207361.6 (MANE Select); coding-DNA position 8218, C replaced by T.
Protein change: p.Arg2740Cys; replaces arginine 2740 with cysteine.
Molecular consequence: missense variant.
Genome position (GRCh38, 1-based): chr13:38,874,523, C>T. VCF-style: chr13-38874523-C-T. GRCh37 (hg19) VCF-style: chr13-39448660-C-T.
Other names: short protein forms R2740C.
Identifiers: ClinVar variation 312026 (VCV000312026.8), dbSNP rs775185183, ClinGen allele CA6956082.

ClinVar aggregate classification (germline): Uncertain significance. Review status: criteria provided, multiple submitters, no conflicts (2 of 4 stars). 4 submissions from 4 submitters: Uncertain significance (4). Last evaluated 2024-12-10.

Conditions:
Fraser syndrome 2 (FRASRS2). Identifiers: MedGen C4540036, MONDO:0054738, OMIM 617666.
Inborn genetic diseases. Identifiers: MedGen C0950123, MeSH D030342.
Isolated cryptophthalmia. Also called: Cryptophthalmos, unilateral or bilateral, isolated; ANKYLOBLEPHARON, SIMPLE. Identifiers: Orphanet 91396, MedGen C1852453, MONDO:0007410, OMIM 123570.

Allele frequency attached by ClinVar (database versions not stated): gnomAD 0.00001; ExAC 0.00003; TOPMed 0.00003.
gnomAD v4.1: 27 of 1,613,992 alleles (0.0017%); highest among the groups gnomAD compares: Middle Eastern, 0.15%; no homozygotes.

Submissions (4):

Ambry Genetics
Classification: Uncertain significance for Inborn genetic diseases. Last evaluated: 2024-12-10. Review status: criteria provided, single submitter. Criteria: Ambry Variant Classification Scheme 2023. Collection method: clinical testing. Allele origin: germline.

Labcorp Genetics (formerly Invitae), Labcorp
Classification: Uncertain significance. Last evaluated: 2022-07-26. Review status: criteria provided, single submitter. Criteria: Invitae Variant Classification Sherloc (09022015). Collection method: clinical testing. Allele origin: germline.
Comment: This sequence change replaces arginine, which is basic and polar, with cysteine, which is neutral and slightly polar, at codon 2740 of the FREM2 protein (p.Arg2740Cys). This variant is present in population databases (rs775185183, gnomAD 0.006%). This variant has not been reported in the literature in individuals affected with FREM2-related conditions. ClinVar contains an entry for this variant (Variation ID: 312026). Algorithms developed to predict the effect of missense changes on protein structure and function output the following: SIFT: "Deleterious"; PolyPhen-2: "Possibly Damaging"; Align-GVGD: "Class C0". The cysteine amino acid residue is found in multiple mammalian species, which suggests that this missense change does not adversely affect protein function. In summary, the available evidence is currently insufficient to determine the role of this variant in disease. Therefore, it has been classified as a Variant of Uncertain Significance.

Fulgent Genetics
Classification: Uncertain significance for Isolated cryptophthalmia; Fraser syndrome 2. Last evaluated: 2022-04-27. Review status: criteria provided, single submitter. Criteria: ACMG Guidelines, 2015. Collection method: clinical testing. Allele origin: unknown.

Illumina Laboratory Services, Illumina
Classification: Uncertain significance for Fraser syndrome 2. Last evaluated: 2018-01-13. Review status: criteria provided, single submitter. Criteria: ICSL Variant Classification Criteria 13 December 2019. Collection method: clinical testing. Allele origin: germline.